The following is an entry in ClinVar:

NM_212482.4(FN1):c.7252_7266dup (p.Gly2418_Asp2422dup)

Genes: ATIC (5-aminoimidazole-4-carboxamide ribonucleotide formyltransferase/IMP cyclohydrolase; plus strand), FN1 (fibronectin 1; minus strand). Cytogenetic location: 2q35.
Variant type: Duplication.
Coding change: c.7252_7266dup on transcript NM_212482.4 (MANE Select); coding-DNA positions 7252 to 7266, 15 bases duplicated (GGCTGGCGCTGTGAC).
Protein change: p.Gly2418_Asp2422dup.
Molecular consequence: inframe insertion.
Genome position (GRCh38, 1-based): chr2:215,362,065-215,362,079, GTCACAGCGCCAGCC duplicated on the plus strand (GGCTGGCGCTGTGAC on the coding strand, the reverse complement: FN1 is on the minus strand). VCF-style (leftmost placement, unchanged base first): chr2-215362064-T-TGTCACAGCGCCAGCC. GRCh37 (hg19) VCF-style: chr2-216226787-T-TGTCACAGCGCCAGCC.
Other names: c.7159_7173dup, p.Gly2387_Asp2391dup (NM_001306129.2); c.6622_6636dup, p.Gly2208_Asp2212dup (NM_001306130.2); c.6616_6630dup, p.Gly2206_Asp2210dup (NM_001306131.2); c.6541_6555dup, p.Gly2181_Asp2185dup (NM_001306132.2); c.6982_6996dup, p.Gly2328_Asp2332dup (NM_001365517.2); c.6979_6993dup, p.Gly2327_Asp2331dup (NM_001365518.2); c.6907_6921dup, p.Gly2303_Asp2307dup (NM_001365519.2); c.6904_6918dup, p.Gly2302_Asp2306dup (NM_001365520.2); and 8 more.
Identifiers: ClinVar variation 1468785 (VCV001468785.8), dbSNP rs2106092683, ClinGen allele CA2573135161.

ClinVar aggregate classification (germline): Uncertain significance (1 of 4 stars; one submission).

Submission:

Labcorp Genetics (formerly Invitae), Labcorp
Classification: Uncertain significance. Last evaluated: 2022-02-04. Review status: criteria provided, single submitter. Criteria: Invitae Variant Classification Sherloc (09022015). Collection method: clinical testing. Allele origin: germline.
Comment: This variant is not present in population databases (gnomAD no frequency). This variant, c.7252_7266dup, results in the insertion of 5 amino acid(s) of the FN1 protein (p.Gly2418_Asp2422dup), but otherwise preserves the integrity of the reading frame. This variant has not been reported in the literature in individuals affected with FN1-related conditions. In summary, the available evidence is currently insufficient to determine the role of this variant in disease. Therefore, it has been classified as a Variant of Uncertain Significance. Experimental studies and prediction algorithms are not available or were not evaluated, and the functional significance of this variant is currently unknown.